The following is an entry in ClinVar:

NM_005562.3(LAMC2):c.1720delinsTT (p.Asn574fs)

Gene: LAMC2 (laminin subunit gamma 2; plus strand). Cytogenetic location: 1q25.3.
Variant type: Indel.
Coding change: c.1720delinsTT on transcript NM_005562.3 (MANE Select); coding-DNA position 1720, A replaced by TT.
Protein change: p.Asn574fs; shifts the reading frame from asparagine 574.
Molecular consequence: frameshift variant.
Genome position (GRCh38, 1-based): chr1:183,230,966, A replaced by TT. VCF-style: chr1-183230966-A-TT. GRCh37 (hg19) VCF-style: chr1-183200101-A-TT.
Other names: c.1720delinsTT, p.Asn574fs (NM_018891.3); short protein forms N574fs.
Identifiers: ClinVar variation 1724609 (VCV001724609.2), dbSNP rs2526082204, ClinGen allele CA2580061659.

ClinVar aggregate classification (germline): Likely pathogenic (1 of 4 stars; one submission).

Conditions:
Junctional epidermolysis bullosa gravis of Herlitz. Also called: EPIDERMOLYSIS BULLOSA JUNCTIONALIS, HERLITZ TYPE; EPIDERMOLYSIS BULLOSA, JUNCTIONAL, HERLITZ-PEARSON TYPE; JEB-HERLITZ TYPE; EPIDERMOLYSIS BULLOSA, JUNCTIONAL 1B, SEVERE; Epidermolysis Bullosa Letalis; Herlitz-type junctional epidermolysis bullosa. Identifiers: Orphanet 79404, MedGen C0079683, MONDO:0009182, OMIM 226700.

Submission:

Myriad Genetics, Inc.
Classification: Likely pathogenic for Junctional epidermolysis bullosa gravis of Herlitz. Last evaluated: 2022-02-21. Review status: criteria provided, single submitter. Criteria: Myriad Women's Health Autosomal Recessive and X-Linked Classification Criteria (2021). Collection method: clinical testing. Allele origin: unknown.
Comment: NM_005562.2(LAMC2):c.1720delAinsTT(N574Lfs*3) is expected to be pathogenic in the context of junctional epidermolysis bullosa, LAMC2-related. This variant is predicted to lead to an abnormal or absent protein product due to the creation of a premature termination codon in LAMC2, a gene where loss-of-function variants are known to be pathogenic. Please note: this variant was assessed in the context of healthy population screening.